The following is an entry in ClinVar:

ClinVar aggregate classification (germline): Uncertain significance (1 of 4 stars; one submission).

Conditions:
ERCC4-related disorder. Also called: ERCC4-related condition.

gnomAD v4.1: 1 of 1,614,168 alleles (0.000062%); highest among the groups gnomAD compares: Non-Finnish European, 0.000085%; no homozygotes.

Submission:

PreventionGenetics, part of Exact Sciences
Classification: Uncertain significance for ERCC4-related condition. Last evaluated: 2026-07-22. Review status: criteria provided, single submitter. Criteria: ACMG Guidelines, 2015. Collection method: clinical testing. Allele origin: germline.
Comment: The ERCC4 c.1547G>A variant is predicted to result in the amino acid substitution p.Arg516Gln. To our knowledge, this variant has not been reported in the literature or in a large population database (gnomAD), indicating this variant is rare. At the time of reporting it was not present in ClinVar. At this time, the clinical significance of this variant is uncertain due to the absence of conclusive functional and genetic evidence.

NM_005236.3(ERCC4):c.1547G>A (p.Arg516Gln)

Gene: ERCC4 (ERCC excision repair 4, endonuclease catalytic subunit; plus strand). Cytogenetic location: 16p13.12.
Variant type: single nucleotide variant.
Coding change: c.1547G>A on transcript NM_005236.3 (MANE Select); coding-DNA position 1547, G replaced by A.
Protein change: p.Arg516Gln; replaces arginine 516 with glutamine.
Molecular consequence: missense variant.
Genome position (GRCh38, 1-based): chr16:13,935,479, G>A. VCF-style: chr16-13935479-G-A. GRCh37 (hg19) VCF-style: chr16-14029336-G-A.
Other names: short protein forms R516Q.
Identifiers: ClinVar variation 4988819 (VCV004988819.1).